The following is an entry in ClinVar:

NM_138420.4(AHNAK2):c.5939A>C (p.Asp1980Ala)

Gene: AHNAK2 (AHNAK nucleoprotein 2; minus strand). Cytogenetic location: 14q32.33.
Variant type: single nucleotide variant.
Coding change: c.5939A>C on transcript NM_138420.4 (MANE Select); coding-DNA position 5939, A replaced by C.
Protein change: p.Asp1980Ala; replaces aspartic acid 1980 with alanine.
Molecular consequence: missense variant.
Genome position (GRCh38, 1-based): chr14:104,949,512, T>G on the plus strand (A>C on the coding strand, the complement: AHNAK2 is on the minus strand). VCF-style: chr14-104949512-T-G. GRCh37 (hg19) VCF-style: chr14-105415849-T-G.
Other names: c.5639A>C, p.Asp1880Ala (NM_001350929.2); c.5939A>C (NM_138420.2); short protein forms D1880A, D1980A.
Identifiers: ClinVar variation 2644769 (VCV002644769.25), dbSNP rs745545200, ClinGen allele CA7381433.

ClinVar aggregate classification (germline): Conflicting classifications of pathogenicity. Review status: criteria provided, conflicting classifications (1 of 4 stars). 2 submissions from 2 submitters: Uncertain significance (1); Benign (1). Last evaluated 2024-06-11.

Allele frequency attached by ClinVar (database versions not stated): ExAC 0.00003; 1000 Genomes Project 30x 0.00062; gnomAD 0.00068.

Submissions (2):

Ambry Genetics
Classification: Uncertain significance. Last evaluated: 2024-06-11. Review status: criteria provided, single submitter. Criteria: Ambry Variant Classification Scheme 2023. Collection method: clinical testing. Allele origin: germline.

CeGaT Center for Human Genetics Tuebingen
Classification: Benign. Last evaluated: 2022-04-01. Review status: criteria provided, single submitter. Criteria: CeGaT Center For Human Genetics Tuebingen Variant Classification Criteria Version 2. Collection method: clinical testing. Allele origin: germline. Affected: yes. Observed: 1 variant allele.
Comment: AHNAK2: BS1, BS2